The following is an entry in ClinVar:

ClinVar aggregate classification (germline): Uncertain significance (1 of 4 stars; one submission).

Conditions:
Neuronal ceroid lipofuscinosis 11. Also called: GRN-Related Neuronal Ceroid-Lipofuscinosis. Identifiers: Orphanet 314629, Orphanet 79262, MedGen C3539123, MONDO:0013866, OMIM 614706.
GRN-related frontotemporal lobar degeneration with Tdp43 inclusions (FTD2). Also called: GRN Frontotemporal Dementia; FRONTOTEMPORAL DEMENTIA WITH TDP43 INCLUSIONS, GRN-RELATED; DEMENTIA, HEREDITARY DYSPHASIC DISINHIBITION; FRONTOTEMPORAL LOBAR DEGENERATION WITH UBIQUITIN-POSITIVE INCLUSIONS; FTLD-TDP, GRN-RELATED. Identifiers: Orphanet 100070, Orphanet 282, MedGen C1843792, MONDO:0011842, OMIM 607485. Disease mechanism: loss of function.

Submission:

Labcorp Genetics (formerly Invitae), Labcorp
Classification: Uncertain significance for Neuronal ceroid lipofuscinosis 11; GRN-related frontotemporal lobar degeneration with Tdp43 inclusions. Last evaluated: 2024-08-12. Review status: criteria provided, single submitter. Criteria: Invitae Variant Classification Sherloc (09022015). Collection method: clinical testing. Allele origin: germline.
Comment: This variant occurs in a non-coding region of the GRN gene. It does not change the encoded amino acid sequence of the GRN protein. It affects a nucleotide within the consensus splice site. This variant is not present in population databases (gnomAD no frequency). This variant has not been reported in the literature in individuals affected with GRN-related conditions. ClinVar contains an entry for this variant (Variation ID: 1979860). Variants that disrupt the consensus splice site are a relatively common cause of aberrant splicing (PMID: 17576681, 9536098). Algorithms developed to predict the effect of sequence changes on RNA splicing suggest that this variant is not likely to affect RNA splicing. This variant disrupts the c.-8+5G nucleotide in the GRN gene. Other variant(s) that disrupt this nucleotide have been determined to be pathogenic (PMID: 9536098, 16862115, 17576681). This suggests that this nucleotide is clinically significant, and that variants that disrupt this position are likely to be disease-causing. In summary, the available evidence is currently insufficient to determine the role of this variant in disease. Therefore, it has been classified as a Variant of Uncertain Significance.

Literature cited by the submitters: PubMed 17576681; PubMed 9536098; PubMed 16862115.

NM_002087.4(GRN):c.-8+5G>A

Gene: GRN (granulin precursor; plus strand). Cytogenetic location: 17q21.31.
Variant type: single nucleotide variant.
Coding change: c.-8+5G>A on transcript NM_002087.4 (MANE Select); 5 bases into the intron after 8 bases upstream of the start codon, G replaced by A.
Molecular consequence: intron variant.
Genome position (GRCh38, 1-based): chr17:44,345,339, G>A. VCF-style: chr17-44345339-G-A. GRCh37 (hg19) VCF-style: chr17-42422707-G-A.
Identifiers: ClinVar variation 1979860 (VCV001979860.4), dbSNP rs63750313, ClinGen allele CA2580093852.